The following is an entry in ClinVar:

ClinVar aggregate classification (germline): Conflicting classifications of pathogenicity. Review status: criteria provided, conflicting classifications (1 of 4 stars). 3 submissions from 3 submitters: Likely pathogenic (1); Uncertain significance (2). Last evaluated 2026-04-14.

Conditions:
Familial intrahepatic cholestasis. Identifiers: Orphanet 284385, MedGen CN296401, MONDO:0017290.
Progressive familial intrahepatic cholestasis type 3. Also called: Low Gamma-GT Familial Intrahepatic Cholestasis; MDR3 DEFICIENCY. Identifiers: Orphanet 79305, MedGen C1865643, MONDO:0011214, OMIM 602347.

Allele frequency attached by ClinVar (database versions not stated): gnomAD exomes below 0.00001.

Submissions (3):

Genomenon, Inc
Classification: Likely pathogenic for Familial intrahepatic cholestasis. Last evaluated: 2026-04-14. Review status: criteria provided, single submitter. Criteria: Genomenon Sequence Variant Interpretation Standards - Updated. Collection method: curation. Allele origin: germline. Affected: yes.
Comment: ABCB4 p.Gly126Glu (c.377G>A) is a missense variant that changes the amino acid at residue 126 from Glycine to Glutamic acid. This variant has been observed in at least one proband with an ABCB4-related disorder (PMID:21119540). The variant was found to segregate with disease in at least one affected family (PMID:21119540). It has been observed in trans with a pathogenic or likely pathogenic variant (PMID:21119540). It is absent or not present at a significant frequency in gnomAD. In silico models predict that this variant is possibly or probably damaging. In conclusion, we classify ABCB4 p.Gly126Glu (c.377G>A) as a likely pathogenic variant.

3billion
Classification: Uncertain significance for Progressive familial intrahepatic cholestasis type 3. Last evaluated: 2024-09-12. Review status: criteria provided, single submitter. Criteria: ACMG Guidelines, 2015. Collection method: clinical testing. Allele origin: germline. Affected: yes.
Comment: The variant is observed at an extremely low frequency in the gnomAD v4.0.0 dataset (total allele frequency: <0.001%). Predicted Consequence/Location: Missense variant In silico tool predictions suggest damaging effect of the variant on gene or gene product [REVEL: 0.76 (>=0.6, sensitivity 0.68 and specificity 0.92); 3Cnet: 0.38 (>=0.6, sensitivity 0.72 and precision 0.9)]. The same nucleotide change resulting in the same amino acid change has been previously reported to be associated with ABCB4 related disorder (PMID: 17726488). However, the evidence of pathogenicity is insufficient at this time. Therefore, this variant is classified as VUS according to the recommendation of ACMG/AMP guideline.

Eurofins Ntd Llc (ga)
Classification: Uncertain significance. Last evaluated: 2017-09-27. Review status: criteria provided, single submitter. Criteria: EGL Classification Definitions 2015. Collection method: clinical testing. Allele origin: germline. Observed: 1 variant allele, 1 heterozygote.

Literature cited by the submitters: PubMed 21119540 (cited by Genomenon, Inc); PubMed 17726488 (cited by 3billion).

NM_000443.4(ABCB4):c.377G>A (p.Gly126Glu)

Gene: ABCB4 (ATP binding cassette subfamily B member 4; minus strand). Cytogenetic location: 7q21.12.
Variant type: single nucleotide variant.
Coding change: c.377G>A on transcript NM_000443.4 (MANE Select); coding-DNA position 377, G replaced by A.
Protein change: p.Gly126Glu; replaces glycine 126 with glutamic acid.
Molecular consequence: missense variant.
Genome position (GRCh38, 1-based): chr7:87,453,103, C>T on the plus strand (G>A on the coding strand, the complement: ABCB4 is on the minus strand). VCF-style: chr7-87453103-C-T. GRCh37 (hg19) VCF-style: chr7-87082419-C-T.
Other names: c.377G>A, p.Gly126Glu (NM_018849.3, NM_018850.3); short protein forms G126E.
Identifiers: ClinVar variation 594044 (VCV000594044.7), dbSNP rs1021988376, ClinGen allele CA162096928.